The following is an entry in ClinVar:

NM_012213.3(MLYCD):c.394G>A (p.Ala132Thr)

Gene: MLYCD (malonyl-CoA decarboxylase; plus strand). Cytogenetic location: 16q23.3.
Variant type: single nucleotide variant.
Coding change: c.394G>A on transcript NM_012213.3 (MANE Select); coding-DNA position 394, G replaced by A.
Protein change: p.Ala132Thr; replaces alanine 132 with threonine.
Molecular consequence: missense variant.
Genome position (GRCh38, 1-based): chr16:83,899,538, G>A. VCF-style: chr16-83899538-G-A. GRCh37 (hg19) VCF-style: chr16-83933143-G-A.
Other names: short protein forms A132T.
Identifiers: ClinVar variation 4084320 (VCV004084320.8).

ClinVar aggregate classification (germline): Uncertain significance (1 of 4 stars; one submission).

gnomAD v4.1: 11 of 1,591,158 alleles (0.00069%); highest among the groups gnomAD compares: Middle Eastern, 0.069%; no homozygotes.

Submission:

CeGaT Center for Human Genetics Tuebingen
Classification: Uncertain significance. Last evaluated: 2025-08-01. Review status: criteria provided, single submitter. Criteria: CeGaT Center For Human Genetics Tuebingen Variant Classification Criteria Version 2. Collection method: clinical testing. Allele origin: germline. Affected: yes. Observed: 1 variant allele.
Comment: MLYCD: PM2, PM3:Supporting, PP3